The following is an entry in ClinVar:

ClinVar aggregate classification (germline): Uncertain significance. Review status: criteria provided, multiple submitters, no conflicts (2 of 4 stars). 2 submissions from 2 submitters: Uncertain significance (2). Last evaluated 2024-10-29.

Conditions:
Pitt-Hopkins-like syndrome 2 (PTHSL2). Identifiers: Orphanet 221150, Orphanet 600663, MedGen C3280479, MONDO:0013690, OMIM 614325.

Submissions (2):

GeneDx
Classification: Uncertain significance. Last evaluated: 2024-10-29. Review status: criteria provided, single submitter. Criteria: GeneDx Variant Classification Process June 2021. Collection method: clinical testing. Allele origin: germline. Affected: yes.
Comment: Not observed at significant frequency in large population cohorts (gnomAD); In silico analysis supports that this missense variant has a deleterious effect on protein structure/function; Has not been previously published as pathogenic or benign to our knowledge

Labcorp Genetics (formerly Invitae), Labcorp
Classification: Uncertain significance for Pitt-Hopkins-like syndrome 2. Last evaluated: 2022-06-13. Review status: criteria provided, single submitter. Criteria: Invitae Variant Classification Sherloc (09022015). Collection method: clinical testing. Allele origin: germline.
Comment: Algorithms developed to predict the effect of missense changes on protein structure and function are either unavailable or do not agree on the potential impact of this missense change (SIFT: "Deleterious"; PolyPhen-2: "Benign"; Align-GVGD: "Class C0"). ClinVar contains an entry for this variant (Variation ID: 1063160). This variant has not been reported in the literature in individuals affected with NRXN1-related conditions. This variant is not present in population databases (gnomAD no frequency). This sequence change replaces arginine, which is basic and polar, with cysteine, which is neutral and slightly polar, at codon 163 of the NRXN1 protein (p.Arg163Cys). Algorithms developed to predict the effect of sequence changes on RNA splicing suggest that this variant may create or strengthen a splice site. In summary, the available evidence is currently insufficient to determine the role of this variant in disease. Therefore, it has been classified as a Variant of Uncertain Significance.

NM_001330078.2(NRXN1):c.487C>T (p.Arg163Cys)

Gene: NRXN1 (neurexin 1; minus strand). Cytogenetic location: 2p16.3.
Variant type: single nucleotide variant.
Coding change: c.487C>T on transcript NM_001330078.2 (MANE Select); coding-DNA position 487, C replaced by T.
Protein change: p.Arg163Cys; replaces arginine 163 with cysteine.
Molecular consequence: missense variant.
Genome position (GRCh38, 1-based): chr2:51,027,787, G>A on the plus strand (C>T on the coding strand, the complement: NRXN1 is on the minus strand). VCF-style: chr2-51027787-G-A. GRCh37 (hg19) VCF-style: chr2-51254925-G-A.
Other names: c.487C>T, p.Arg163Cys (NM_001135659.3, NM_001330077.2, NM_001330079.2 and 15 more transcripts); c.487C>T (NM_001135659.1); short protein forms R163C.
Identifiers: ClinVar variation 1063160 (VCV001063160.10), dbSNP rs1338512958, ClinGen allele CA346823898.